The following is an entry in ClinVar:

NM_001376.5(DYNC1H1):c.9155A>G (p.Lys3052Arg)

Genes: DYNC1H1 (dynein cytoplasmic 1 heavy chain 1; plus strand), LOC126862060 (BRD4-independent group 4 enhancer GRCh37_chr14:102493659-102494858; plus strand). Cytogenetic location: 14q32.31.
Variant type: single nucleotide variant.
Coding change: c.9155A>G on transcript NM_001376.5 (MANE Select); coding-DNA position 9155, A replaced by G.
Protein change: p.Lys3052Arg; replaces lysine 3052 with arginine.
Molecular consequence: missense variant.
Genome position (GRCh38, 1-based): chr14:102,027,725, A>G. VCF-style: chr14-102027725-A-G. GRCh37 (hg19) VCF-style: chr14-102494062-A-G.
Other names: short protein forms K3052R.
Identifiers: ClinVar variation 863131 (VCV000863131.16), dbSNP rs774806132, ClinGen allele CA7353171.

ClinVar aggregate classification (germline): Conflicting classifications of pathogenicity. Review status: criteria provided, conflicting classifications (1 of 4 stars). 5 submissions from 4 submitters: Uncertain significance (2); Likely benign (3). Last evaluated 2026-04-08.

Conditions:
DYNC1H1-related disorder. Also called: DYNC1H1-related condition; DYNC1H1-related disorders. Identifiers: MedGen CN381529.
Inborn genetic diseases. Identifiers: MedGen C0950123, MeSH D030342.
Autosomal dominant cerebellar ataxia. Also called: Spinocerebellar Ataxia, Dominant. Identifiers: Orphanet 99, MedGen C4087347, MONDO:0020380.
Charcot-Marie-Tooth disease axonal type 2O. Also called: CHARCOT-MARIE-TOOTH DISEASE, AXONAL, AUTOSOMAL DOMINANT, TYPE 2O; CHARCOT-MARIE-TOOTH NEUROPATHY, AXONAL, TYPE 2O; Charcot-Marie-Tooth Neuropathy Type 2O; Charcot-Marie-Tooth disease, axonal, type 20. Identifiers: Orphanet 284232, MedGen C3280220, MONDO:0013644, OMIM 614228.

Allele frequency attached by ClinVar (database versions not stated): ExAC 0.00002; TOPMed 0.00004; gnomAD exomes 0.00012 and 0.00005; gnomAD 0.00005 and 0.00006.
gnomAD v4.1: 184 of 1,614,058 alleles (0.011%); highest among the groups gnomAD compares: Non-Finnish European, 0.015%; no homozygotes.

Submissions (5):

PreventionGenetics, part of Exact Sciences
Classification: Likely benign for DYNC1H1-related condition. Last evaluated: 2026-04-08. Review status: criteria provided, single submitter. Criteria: ACMG Guidelines, 2015. Collection method: clinical testing. Allele origin: germline.
Comment: This variant is classified as likely benign based on ACMG/AMP sequence variant interpretation guidelines (Richards et al. 2015 PMID: 25741868, with internal and published modifications).

Labcorp Genetics (formerly Invitae), Labcorp
Classification: Likely benign for Charcot-Marie-Tooth disease axonal type 2O. Last evaluated: 2026-01-27. Review status: criteria provided, single submitter. Criteria: Invitae Variant Classification Sherloc (09022015). Collection method: clinical testing. Allele origin: germline.

Ambry Genetics
Classification: Likely benign for Inborn genetic diseases. Last evaluated: 2022-02-09. Review status: criteria provided, single submitter. Criteria: Ambry Variant Classification Scheme 2023. Collection method: clinical testing. Allele origin: germline.

Illumina Laboratory Services, Illumina
Classification: Uncertain significance for Spinocerebellar Ataxia, Dominant. Last evaluated: 2018-01-13. Review status: criteria provided, single submitter. Criteria: ICSL Variant Classification Criteria 13 December 2019. Collection method: clinical testing. Allele origin: germline.

Illumina Laboratory Services, Illumina
Classification: Uncertain significance for Charcot-Marie-Tooth disease axonal type 2O. Last evaluated: 2018-01-13. Review status: criteria provided, single submitter. Criteria: ICSL Variant Classification Criteria 13 December 2019. Collection method: clinical testing. Allele origin: germline.